The following is an entry in ClinVar:

ClinVar aggregate classification (germline): Uncertain significance. Review status: criteria provided, multiple submitters, no conflicts (2 of 4 stars). 4 submissions from 4 submitters: Uncertain significance (3). 1 of the submissions does not count toward it. Last evaluated 2024-12-04.

Conditions:
Bartter disease type 4A. Also called: BARTTER SYNDROME, TYPE 4A, NEONATAL, WITH SENSORINEURAL DEAFNESS; BARTTER SYNDROME, NEONATAL, WITH SENSORINEURAL DEAFNESS. Identifiers: Orphanet 112, MedGen C1865270, MONDO:0011242, OMIM 602522.
Bartter syndrome. Identifiers: Orphanet 112, MedGen C0004775, MONDO:0015231.
Inborn genetic diseases. Identifiers: MedGen C0950123, MeSH D030342.

Allele frequency attached by ClinVar (database versions not stated): TOPMed 0.00002; gnomAD 0.00003; ExAC 0.00004; gnomAD exomes 0.00006.
gnomAD v4.1: 74 of 1,614,022 alleles (0.0046%); highest among the groups gnomAD compares: South Asian, 0.047%; no homozygotes.

Submissions (4):

Ambry Genetics
Classification: Uncertain significance for Inborn genetic diseases. Last evaluated: 2024-12-04. Review status: criteria provided, single submitter. Criteria: Ambry Variant Classification Scheme 2023. Collection method: clinical testing. Allele origin: germline.

Fulgent Genetics
Classification: Uncertain significance for Bartter disease type 4A. Last evaluated: 2022-02-26. Review status: criteria provided, single submitter. Criteria: ACMG Guidelines, 2015. Collection method: clinical testing. Allele origin: unknown.

Laboratory for Molecular Medicine, Mass General Brigham Personalized Medicine
Classification: Uncertain significance. Last evaluated: 2019-05-22. Review status: criteria provided, single submitter. Criteria: LMM Criteria. Collection method: clinical testing. Allele origin: germline. Observed: 1 variant allele.
Comment: The p.Pro96Leu variant in BSND has not been previously reported in individuals with hearing loss or Bartter syndrome, but has been identified in 0.02% (8/30614) of South Asian chromosomes by gnomAD. Computational prediction tools and conservation analysis suggest that this variant may not impact the protein, though this information is not predictive enough to rule out pathogenicity. In summary, the clinical significance of this variant is uncertain. ACMG/AMP Criteria applied: PM2_Supporting, BP4.

Natera, Inc.
Classification: Uncertain significance for Bartter syndrome. Last evaluated: 2020-03-10. Review status: no assertion criteria provided. Collection method: clinical testing. Allele origin: germline. Not counted in ClinVar's aggregate classification.

NM_057176.3(BSND):c.287C>T (p.Pro96Leu)

Gene: BSND (barttin CLCNK type accessory subunit beta; plus strand). Cytogenetic location: 1p32.3.
Variant type: single nucleotide variant.
Coding change: c.287C>T on transcript NM_057176.3 (MANE Select); coding-DNA position 287, C replaced by T.
Protein change: p.Pro96Leu; replaces proline 96 with leucine.
Molecular consequence: missense variant.
Genome position (GRCh38, 1-based): chr1:55,007,011, C>T. VCF-style: chr1-55007011-C-T. GRCh37 (hg19) VCF-style: chr1-55472684-C-T.
Other names: c.287C>T (NM_057176.2); short protein forms P96L.
Identifiers: ClinVar variation 929993 (VCV000929993.7), dbSNP rs765579274, ClinGen allele CA871297.